The following is an entry in ClinVar:

ClinVar aggregate classification (germline): Conflicting classifications of pathogenicity. Review status: criteria provided, conflicting classifications (1 of 4 stars). 4 submissions from 4 submitters: Uncertain significance (1); Likely benign (3). Last evaluated 2026-01-20.

Conditions:
FOXC1-related disorder. Also called: FOXC1-related condition.
Axenfeld-Rieger syndrome type 3 (RIEG3). Also called: AXENFELD-RIEGER ANOMALY WITH CARDIAC DEFECTS AND/OR SENSORINEURAL HEARING LOSS. Identifiers: Orphanet 782, MedGen C2678503, MONDO:0011233, OMIM 602482.

Submissions (4):

PreventionGenetics, part of Exact Sciences
Classification: Likely benign for FOXC1-related condition. Last evaluated: 2026-01-20. Review status: criteria provided, single submitter. Criteria: ACMG Guidelines, 2015. Collection method: clinical testing. Allele origin: germline.
Comment: This variant is classified as likely benign based on ACMG/AMP sequence variant interpretation guidelines (Richards et al. 2015 PMID: 25741868, with internal and published modifications).

Labcorp Genetics (formerly Invitae), Labcorp
Classification: Uncertain significance for Axenfeld-Rieger syndrome type 3. Last evaluated: 2025-12-09. Review status: criteria provided, single submitter. Criteria: Invitae Variant Classification Sherloc (09022015). Collection method: clinical testing. Allele origin: germline.
Comment: This variant, c.1136_1141dup, results in the insertion of 2 amino acid(s) of the FOXC1 protein (p.Gly379_Gly380dup), but otherwise preserves the integrity of the reading frame. The frequency data for this variant in the population databases is considered unreliable, as metrics indicate poor data quality at this position in the gnomAD database. This variant has not been reported in the literature in individuals affected with FOXC1-related conditions. Experimental studies and prediction algorithms are not available or were not evaluated, and the functional significance of this variant is currently unknown. In summary, the available evidence is currently insufficient to determine the role of this variant in disease. Therefore, it has been classified as a Variant of Uncertain Significance.

Blueprint Genetics
Classification: Likely benign. Last evaluated: 2024-11-05. Review status: criteria provided, single submitter. Criteria: ACMG Guidelines, 2015. Collection method: clinical testing. Allele origin: germline.

CeGaT Center for Human Genetics Tuebingen
Classification: Likely benign. Last evaluated: 2024-10-01. Review status: criteria provided, single submitter. Criteria: CeGaT Center For Human Genetics Tuebingen Variant Classification Criteria Version 2. Collection method: clinical testing. Allele origin: germline. Affected: yes. Observed: 1 variant allele.
Comment: FOXC1: BP3, BS2

NM_001453.3(FOXC1):c.1124GCG[8] (p.Gly379_Gly380dup)

Gene: FOXC1 (forkhead box C1; plus strand). Cytogenetic location: 6p25.3.
Variant type: Microsatellite.
Coding change: c.1124GCG[8] on transcript NM_001453.3 (MANE Select); eight copies in a row of the 3-base unit GCG starting at c.1124; the reference has six copies in a row; two copies, 6 bases duplicated.
Protein change: p.Gly379_Gly380dup.
Molecular consequence: inframe insertion.
Genome position (GRCh38, 1-based): chr6:1,611,581-1,611,586, GCGGCG duplicated; duplicating any 6 consecutive bases within chr6:1,611,568-1,611,586 gives the same sequence; the position shown is the placement nearest the transcript's 3' end. VCF-style (leftmost placement, unchanged base first): chr6-1611567-G-GGGCGGC. GRCh37 (hg19) VCF-style: chr6-1611802-G-GGGCGGC.
Other names: c.1136_1141dup6 (NM_001453.2).
Identifiers: ClinVar variation 1419128 (VCV001419128.22), dbSNP rs76840944, ClinGen allele CA3614871.